The following is an entry in ClinVar:

ClinVar aggregate classification (germline): Uncertain significance. Review status: criteria provided, multiple submitters, no conflicts (2 of 4 stars). 2 submissions from 2 submitters: Uncertain significance (2). Last evaluated 2026-06-23.

Submissions (2):

Ambry Genetics
Classification: Uncertain significance. Last evaluated: 2026-06-23. Review status: criteria provided, single submitter. Criteria: Ambry Variant Classification Scheme 2023. Collection method: clinical testing. Allele origin: germline.
Comment: The p.C290Y variant (also known as c.869G>A), located in coding exon 7 of the RNF43 gene, results from a G to A substitution at nucleotide position 869. The cysteine at codon 290 is replaced by tyrosine, an amino acid with highly dissimilar properties. This amino acid position is highly conserved in available vertebrate species. In addition, this alteration is predicted to be deleterious by in silico analysis. The evidence for this gene-disease relationship is limited; therefore, the clinical significance of this variant is unclear.

Labcorp Genetics (formerly Invitae), Labcorp
Classification: Uncertain significance. Last evaluated: 2022-10-27. Review status: criteria provided, single submitter. Criteria: Invitae Variant Classification Sherloc (09022015). Collection method: clinical testing. Allele origin: germline.
Comment: This variant has not been reported in the literature in individuals affected with RNF43-related conditions. Algorithms developed to predict the effect of missense changes on protein structure and function (SIFT, PolyPhen-2, Align-GVGD) all suggest that this variant is likely to be disruptive. In summary, the available evidence is currently insufficient to determine the role of this variant in disease. Therefore, it has been classified as a Variant of Uncertain Significance. This variant is not present in population databases (gnomAD no frequency). This sequence change replaces cysteine, which is neutral and slightly polar, with tyrosine, which is neutral and polar, at codon 290 of the RNF43 protein (p.Cys290Tyr).

NM_017763.6(RNF43):c.869G>A (p.Cys290Tyr)

Gene: RNF43 (ring finger protein 43; minus strand). Cytogenetic location: 17q22.
Variant type: single nucleotide variant.
Coding change: c.869G>A on transcript NM_017763.6 (MANE Select); coding-DNA position 869, G replaced by A.
Protein change: p.Cys290Tyr; replaces cysteine 290 with tyrosine.
Molecular consequence: missense variant.
Genome position (GRCh38, 1-based): chr17:58,360,232, C>T on the plus strand (G>A on the coding strand, the complement: RNF43 is on the minus strand). VCF-style: chr17-58360232-C-T. GRCh37 (hg19) VCF-style: chr17-56437593-C-T.
Other names: c.869G>A (NM_017763.4); c.869G>A, p.Cys290Tyr (NM_001305544.3); c.488G>A, p.Cys163Tyr (NM_001305545.2); short protein forms C290Y, C163Y.
Identifiers: ClinVar variation 2907104 (VCV002907104.4), dbSNP rs2143440358, ClinGen allele CA400333567.